The following is an entry in ClinVar:

NM_015474.4(SAMHD1):c.284G>T (p.Gly95Val)

Gene: SAMHD1 (SAM and HD domain containing deoxynucleoside triphosphate triphosphohydrolase 1; minus strand). Cytogenetic location: 20q11.23.
Variant type: single nucleotide variant.
Coding change: c.284G>T on transcript NM_015474.4 (MANE Select); coding-DNA position 284, G replaced by T.
Protein change: p.Gly95Val; replaces glycine 95 with valine.
Molecular consequence: missense variant.
Genome position (GRCh38, 1-based): chr20:36,941,103, C>A on the plus strand (G>T on the coding strand, the complement: SAMHD1 is on the minus strand). VCF-style: chr20-36941103-C-A. GRCh37 (hg19) VCF-style: chr20-35569506-C-A.
Other names: c.284G>T, p.Gly95Val (NM_001363729.2, NM_001363733.2); short protein forms G95V.
Identifiers: ClinVar variation 2143032 (VCV002143032.1), dbSNP rs1277922979, ClinGen allele CA408827821.

ClinVar aggregate classification (germline): Uncertain significance (1 of 4 stars; one submission).

Conditions:
Aicardi-Goutieres syndrome 5. Identifiers: Orphanet 51, MedGen C2749659, MONDO:0013059, OMIM 612952.

Allele frequency attached by ClinVar (database versions not stated): gnomAD exomes below 0.00001; TOPMed below 0.00001.
gnomAD v4.1: 3 of 1,611,152 alleles (0.00019%); highest among the groups gnomAD compares: Non-Finnish European, 0.00025%; no homozygotes.

Submission:

Labcorp Genetics (formerly Invitae), Labcorp
Classification: Uncertain significance for Aicardi-Goutieres syndrome 5. Last evaluated: 2022-04-06. Review status: criteria provided, single submitter. Criteria: Invitae Variant Classification Sherloc (09022015). Collection method: clinical testing. Allele origin: germline.
Comment: This sequence change replaces glycine, which is neutral and non-polar, with valine, which is neutral and non-polar, at codon 95 of the SAMHD1 protein (p.Gly95Val). This variant is present in population databases (no rsID available, gnomAD 0.002%). This variant has not been reported in the literature in individuals affected with SAMHD1-related conditions. Algorithms developed to predict the effect of missense changes on protein structure and function are either unavailable or do not agree on the potential impact of this missense change (SIFT: "Tolerated"; PolyPhen-2: "Possibly Damaging"; Align-GVGD: "Class C0"). In summary, the available evidence is currently insufficient to determine the role of this variant in disease. Therefore, it has been classified as a Variant of Uncertain Significance.